The following is an entry in ClinVar:

NM_006019.4(TCIRG1):c.1405A>G (p.Thr469Ala)

Gene: TCIRG1 (T cell immune regulator 1, ATPase H+ transporting V0 subunit a3; plus strand). Cytogenetic location: 11q13.2.
Variant type: single nucleotide variant.
Coding change: c.1405A>G on transcript NM_006019.4 (MANE Select); coding-DNA position 1405, A replaced by G.
Protein change: p.Thr469Ala; replaces threonine 469 with alanine.
Molecular consequence: missense variant.
Genome position (GRCh38, 1-based): chr11:68,047,746, A>G. VCF-style: chr11-68047746-A-G. GRCh37 (hg19) VCF-style: chr11-67815213-A-G.
Other names: c.511A>G, p.Thr171Ala (NM_001351059.2); c.757A>G, p.Thr253Ala (NM_006053.4); short protein forms T253A, T469A, T171A.
Identifiers: ClinVar variation 2190515 (VCV002190515.1), dbSNP rs761752747, ClinGen allele CA6147097.

ClinVar aggregate classification (germline): Uncertain significance (1 of 4 stars; one submission).

Allele frequency attached by ClinVar (database versions not stated): ExAC 0.00001; gnomAD exomes 0.00001.
gnomAD v4.1: 9 of 1,613,150 alleles (0.00056%); highest among the groups gnomAD compares: Non-Finnish European, 0.00076%; no homozygotes.

Submission:

Labcorp Genetics (formerly Invitae), Labcorp
Classification: Uncertain significance. Last evaluated: 2022-06-13. Review status: criteria provided, single submitter. Criteria: Invitae Variant Classification Sherloc (09022015). Collection method: clinical testing. Allele origin: germline.
Comment: This sequence change replaces threonine, which is neutral and polar, with alanine, which is neutral and non-polar, at codon 469 of the TCIRG1 protein (p.Thr469Ala). This variant is present in population databases (rs761752747, gnomAD 0.0009%). This variant has not been reported in the literature in individuals affected with TCIRG1-related conditions. Algorithms developed to predict the effect of missense changes on protein structure and function output the following: SIFT: "Tolerated"; PolyPhen-2: "Benign"; Align-GVGD: "Class C0". The alanine amino acid residue is found in multiple mammalian species, which suggests that this missense change does not adversely affect protein function. In summary, the available evidence is currently insufficient to determine the role of this variant in disease. Therefore, it has been classified as a Variant of Uncertain Significance.